The following is an entry in ClinVar:

ClinVar aggregate classification (germline): Conflicting classifications of pathogenicity. Review status: criteria provided, conflicting classifications (1 of 4 stars). 6 submissions from 6 submitters: Likely pathogenic (1); Uncertain significance (3). 2 of the submissions do not count toward it. Last evaluated 2025-03-21.

Conditions:
Nemaline myopathy. Also called: Myopathies, Nemaline. Identifiers: Orphanet 607, MedGen C0206157, MONDO:0018958.
Nemaline myopathy 2 (NEM2). Also called: Nemaline myopathy 2, autosomal recessive. Identifiers: MedGen C1850569, MONDO:0009725, OMIM 256030.

Allele frequency attached by ClinVar (database versions not stated): gnomAD 0.00001.
gnomAD v4.1: 1 of 1,579,408 alleles (0.000063%); highest among the groups gnomAD compares: Admixed American, 0.0018%; no homozygotes.

Submissions (6):

Broad Center for Mendelian Genomics, Broad Institute of MIT and Harvard
Classification: Uncertain significance for Nemaline myopathy. Last evaluated: 2025-03-21. Review status: criteria provided, single submitter. Criteria: ACMG Guidelines, 2015. Collection method: curation. Allele origin: germline. Inheritance: Autosomal recessive inheritance.
Comment: The c.2211+5G>T variant in NEB has not been previously reported in individuals with nemaline myopathy, but has been identified in 0.002% (1/55150) Latino/Admixed American chromosomes by the Genome Aggregation Database (gnomAD; dbSNP ID: rs797045736). Although this variant has been seen in the general population in a heterozygous state, its frequency is low enough to be consistent with a recessive carrier frequency. This variant has also been reported in ClinVar (Variation ID: 211586) and has been interpreted a likely pathogenic by Genetic Services Laboratory (University of Chicago) and a variant of uncertain significance by Invitae, Counsyl, and Women's Health and Genetics/Laboratory Corporation of America. This variant is located in the 3‚Äô splice region. Computational tools do suggest an impact to splicing. However, this information is not predictive enough to determine/rule out pathogenicity. Two additional likely pathogenic variants, predicted to induce the same splicing effect as this variant, have been reported in ClinVar as being associated with nemaline myopathy, supporting that the c.2211+5G>T variant may be pathogenic (Variation ID: 552030, 1466481). In summary, while there is some suspicion for a pathogenic role, the clinical significance of this variant is uncertain. ACMG/AMP Criteria applied: PS1_supporting, PP3, PM2_supporting (Richards 2015).

Women's Health and Genetics/Laboratory Corporation of America, LabCorp
Classification: Uncertain significance. Last evaluated: 2024-03-26. Review status: criteria provided, single submitter. Criteria: LabCorp Variant Classification Summary - May 2015. Collection method: clinical testing. Allele origin: germline.
Comment: Variant summary: NEB c.2211+5G>T alters a conserved nucleotide located close to a canonical splice site and therefore could affect mRNA splicing, leading to a significantly altered protein sequence. Several computational tools predict a significant impact on normal splicing: Two predict the variant abolishes a 5' splicing donor site. Two predict the variant weakens a 5' donor site. However, these predictions have yet to be confirmed by functional studies. The variant was absent in 204702 control chromosomes. The available data on variant occurrences in the general population are insufficient to allow any conclusion about variant significance. To our knowledge, no occurrence of c.2211+5G>T in individuals affected with Nemaline Myopathy 2 and no experimental evidence demonstrating its impact on protein function have been reported. ClinVar contains an entry for this variant (Variation ID: 211586). Based on the evidence outlined above, the variant was classified as uncertain significance.

Labcorp Genetics (formerly Invitae), Labcorp
Classification: Uncertain significance for Nemaline myopathy 2. Last evaluated: 2021-08-30. Review status: criteria provided, single submitter. Criteria: Invitae Variant Classification Sherloc (09022015). Collection method: clinical testing. Allele origin: germline.
Comment: This sequence change falls in intron 23 of the NEB gene. It does not directly change the encoded amino acid sequence of the NEB protein. It affects a nucleotide within the consensus splice site of the intron. This variant is not present in population databases (ExAC no frequency). This variant has not been reported in the literature in individuals affected with NEB-related conditions. ClinVar contains an entry for this variant (Variation ID: 211586). Variants that disrupt the consensus splice site are a relatively common cause of aberrant splicing (PMID: 17576681, 9536098). Algorithms developed to predict the effect of sequence changes on RNA splicing suggest that this variant may disrupt the consensus splice site. This variant disrupts the c.2211+5G nucleotide in the NEB gene. Other variant(s) that disrupt this nucleotide have been determined to be pathogenic (PMID: 21724397; Invitae). This suggests that this nucleotide is clinically significant, and that variants that disrupt this position are likely to be disease-causing. In summary, the available evidence is currently insufficient to determine the role of this variant in disease. Therefore, it has been classified as a Variant of Uncertain Significance.

Genetic Services Laboratory, University of Chicago
Classification: Likely pathogenic for Nemaline myopathy 2, autosomal recessive. Last evaluated: 2015-01-20. Review status: criteria provided, single submitter. Criteria: ACMG Guidelines, 2015. Collection method: clinical testing. Allele origin: germline. Affected: yes.

Natera, Inc.
Classification: Uncertain significance for Nemaline myopathy type 2. Last evaluated: 2021-06-08. Review status: no assertion criteria provided. Collection method: clinical testing. Allele origin: germline. Not counted in ClinVar's aggregate classification.

Counsyl
Classification: Uncertain significance for Nemaline myopathy 2. Last evaluated: 2018-03-05. Review status: no assertion criteria provided. Collection method: clinical testing. Allele origin: unknown. Not counted in ClinVar's aggregate classification.

Literature cited by the submitters: PubMed 17576681 (cited by Labcorp Genetics (formerly Invitae), Labcorp); PubMed 9536098 (cited by Labcorp Genetics (formerly Invitae), Labcorp); PubMed 21724397 (cited by Labcorp Genetics (formerly Invitae), Labcorp).

NM_001164508.2(NEB):c.2211+5G>T

Gene: NEB (nebulin; minus strand). Cytogenetic location: 2q23.3.
Variant type: single nucleotide variant.
Coding change: c.2211+5G>T on transcript NM_001164508.2 (MANE Select); 5 bases into the intron after coding-DNA position 2211, G replaced by T.
Molecular consequence: intron variant.
Genome position (GRCh38, 1-based): chr2:151,691,859, C>A on the plus strand (G>T on the coding strand, the complement: NEB is on the minus strand). VCF-style: chr2-151691859-C-A. GRCh37 (hg19) VCF-style: chr2-152548373-C-A.
Other names: c.2211+5G>T (NM_004543.5, NM_001164507.2, NM_001271208.2).
Identifiers: ClinVar variation 211586 (VCV000211586.21), dbSNP rs797045736, ClinGen allele CA206837.